The following is an entry in ClinVar:

NM_000465.4(BARD1):c.1794T>C (p.Thr598=)

Gene: BARD1 (BRCA1 associated RING domain 1; minus strand). Cytogenetic location: 2q35.
Variant type: single nucleotide variant.
Coding change: c.1794T>C on transcript NM_000465.4 (MANE Select); coding-DNA position 1794, T replaced by C.
Protein change: p.Thr598=; no amino-acid change (threonine 598 retained).
Molecular consequence: synonymous variant. On other transcripts: non-coding transcript variant (3), intron variant (1).
Genome position (GRCh38, 1-based): chr2:214,745,738, A>G on the plus strand (T>C on the coding strand, the complement: BARD1 is on the minus strand). VCF-style: chr2-214745738-A-G. GRCh37 (hg19) VCF-style: chr2-215610462-A-G.
Other names: c.1737T>C, p.Thr579= (NM_001282543.2); c.441T>C, p.Thr147= (NM_001282545.2); c.384T>C, p.Thr128= (NM_001282548.2); c.365-15230T>C (NM_001282549.2).
Identifiers: ClinVar variation 820058 (VCV000820058.14), dbSNP rs1553615105, ClinGen allele CA431145839.
Genomic context (GRCh38, chr2:214,745,738, plus strand): 5'-TTAACATTTTTTCTACCCCACCTCCCAAAATTCAAAATCCTCACCTGTACTGTCAAACTC[A>G]GTATATTTTTTAGCCTTAAGAATTACTGCAAGCTCACTGAGCATTTTCTGTTGTTCTGAA-3'
Protein context (NP_000456.2, residues 588-608): LAVILKAKKY[Thr598=]EFDSTVTHVV

ClinVar aggregate classification (germline): Benign/Likely benign. Review status: criteria provided, multiple submitters, no conflicts (2 of 4 stars). 3 submissions from 3 submitters: Benign (1); Likely benign (2). Last evaluated 2024-08-13.

Conditions:
Familial cancer of breast. Also called: BREAST CANCER, FAMILIAL; Hereditary breast cancer; hereditary breast carcinoma. Identifiers: Orphanet 227535, MedGen C0346153, MONDO:0016419, OMIM 114480. Disease mechanism: loss of function.
Hereditary cancer-predisposing syndrome. Also called: Neoplastic Syndromes, Hereditary; Tumor predisposition; Hereditary Cancer Syndrome; Hereditary neoplastic syndrome. Identifiers: Orphanet 140162, MedGen C0027672, MeSH D009386, MONDO:0015356.

Submissions (3):

Labcorp Genetics (formerly Invitae), Labcorp
Classification: Likely benign for Familial cancer of breast. Last evaluated: 2024-08-13. Review status: criteria provided, single submitter. Criteria: Invitae Variant Classification Sherloc (09022015). Collection method: clinical testing. Allele origin: germline.

Myriad Genetics, Inc.
Classification: Benign for Familial cancer of breast. Last evaluated: 2024-07-26. Review status: criteria provided, single submitter. Criteria: Myriad Autosomal Dominant, Autosomal Recessive and X-Linked Classification Criteria (2023). Collection method: clinical testing. Allele origin: unknown.
Comment: This variant is considered benign. This variant is a silent/synonymous amino acid change and it is not expected to impact splicing.

Ambry Genetics
Classification: Likely benign for Hereditary cancer-predisposing syndrome. Last evaluated: 2019-07-30. Review status: criteria provided, single submitter. Criteria: Ambry Variant Classification Scheme 2023. Collection method: clinical testing. Allele origin: germline.